The following is an entry in ClinVar:

NM_002979.5(SCP2):c.1234A>G (p.Ser412Gly)

Gene: SCP2 (sterol carrier protein 2; plus strand). Cytogenetic location: 1p32.3.
Variant type: single nucleotide variant.
Coding change: c.1234A>G on transcript NM_002979.5 (MANE Select); coding-DNA position 1234, A replaced by G.
Protein change: p.Ser412Gly; replaces serine 412 with glycine.
Molecular consequence: missense variant.
Genome position (GRCh38, 1-based): chr1:53,015,042, A>G. VCF-style: chr1-53015042-A-G. GRCh37 (hg19) VCF-style: chr1-53480714-A-G.
Other names: c.22A>G, p.Ser8Gly (NM_001007099.3, NM_001007250.3); c.22A>G, p.Arg8Gly (NM_001007100.3); c.1162A>G, p.Ser388Gly (NM_001193599.2); c.1102A>G, p.Ser368Gly (NM_001193600.2); c.991A>G, p.Ser331Gly (NM_001193617.2); short protein forms S412G, R8G, S368G, S331G, S388G, S8G.
Identifiers: ClinVar variation 594561 (VCV000594561.19), dbSNP rs201094447, ClinGen allele CA857357.

ClinVar aggregate classification (germline): Conflicting classifications of pathogenicity. Review status: criteria provided, conflicting classifications (1 of 4 stars). 5 submissions from 5 submitters: Uncertain significance (3); Likely benign (2). Last evaluated 2026-01-01.

Conditions:
Sterol carrier protein 2 deficiency. Also called: Leukoencephalopathy, dystonia, motor neuropathy syndrome; Leukoencephalopathy with dystonia and motor neuropathy. Identifiers: Orphanet 163684, MedGen C3150990, MONDO:0013391, OMIM 613724.

Allele frequency attached by ClinVar (database versions not stated): ESP Exome Variant Server 0.00015; 1000 Genomes Project 30x 0.00016; 1000 Genomes Project 0.00020; ExAC 0.00037; TOPMed 0.00039; gnomAD exomes 0.00043 and 0.00091; gnomAD 0.00048.
gnomAD v4.1: 1,389 of 1,614,082 alleles (0.086%); highest among the groups gnomAD compares: Non-Finnish European, 0.11%; no homozygotes.

Submissions (8):

CeGaT Center for Human Genetics Tuebingen
Classification: Likely benign. Last evaluated: 2026-01-01. Review status: criteria provided, single submitter. Criteria: CeGaT Center For Human Genetics Tuebingen Variant Classification Criteria Version 2. Collection method: clinical testing. Allele origin: germline. Affected: yes. Observed: 1 variant allele.
Comment: SCP2: BP4

Blueprint Genetics
Classification: Likely benign. Last evaluated: 2024-10-17. Review status: criteria provided, single submitter. Criteria: ACMG Guidelines, 2015. Collection method: clinical testing. Allele origin: germline.

Labcorp Genetics (formerly Invitae), Labcorp
Classification: Uncertain significance. Last evaluated: 2022-10-31. Review status: criteria provided, single submitter. Criteria: Invitae Variant Classification Sherloc (09022015). Collection method: clinical testing. Allele origin: germline.
Comment: This sequence change replaces serine, which is neutral and polar, with glycine, which is neutral and non-polar, at codon 412 of the SCP2 protein (p.Ser412Gly). This variant is present in population databases (rs201094447, gnomAD 0.08%). This variant has not been reported in the literature in individuals affected with SCP2-related conditions. ClinVar contains an entry for this variant (Variation ID: 594561). Algorithms developed to predict the effect of missense changes on protein structure and function (SIFT, PolyPhen-2, Align-GVGD) all suggest that this variant is likely to be tolerated. In summary, the available evidence is currently insufficient to determine the role of this variant in disease. Therefore, it has been classified as a Variant of Uncertain Significance.

Mayo Clinic Laboratories, Mayo Clinic
Classification: Uncertain significance. Last evaluated: 2021-08-18. Review status: criteria provided, single submitter. Criteria: ACMG Guidelines, 2015. Collection method: clinical testing. Allele origin: germline.

Eurofins Ntd Llc (ga)
Classification: Uncertain significance. Last evaluated: 2018-08-30. Review status: criteria provided, single submitter. Criteria: EGL ClinVar v180209 classification definitions. Collection method: clinical testing. Allele origin: germline. Observed: 4 variant alleles, 4 heterozygotes.

Dr. Peter K. Rogan Lab, Western University
No classification provided (evidence only). Condition: Melanoma. Review status: no classification provided. Collection method: in vitro. Allele origin: not applicable. Functional consequence: skipped exon, retained intron. Not counted in ClinVar's aggregate classification.

Dr. Peter K. Rogan Lab, Western University
No classification provided (evidence only). Condition: Sarcoma. Review status: no classification provided. Collection method: in vitro. Allele origin: not applicable. Functional consequence: retained intron. Not counted in ClinVar's aggregate classification.

Dr. Peter K. Rogan Lab, Western University
No classification provided (evidence only). Condition: Ovarian serous cystadenocarcinoma. Review status: no classification provided. Collection method: in vitro. Allele origin: not applicable. Functional consequence: retained intron. Not counted in ClinVar's aggregate classification.